The following is an entry in ClinVar:

ClinVar aggregate classification (germline): Uncertain significance (1 of 4 stars; one submission).

Conditions:
Epidermolysis bullosa simplex 3, localized or generalized intermediate, with BP230 deficiency (EBS3). Also called: Epidermolysis bullosa simplex due to BP230 deficiency; Epidermolysis bullosa simplex, autosomal recessive 2. Identifiers: Orphanet 412181, MedGen C3809470, MONDO:0014180, OMIM 615425.
Hereditary sensory and autonomic neuropathy type 6. Also called: Neuropathy, hereditary sensory and autonomic, type VI; HSAN VI. Identifiers: Orphanet 314381, MedGen C3539003, MONDO:0013839, OMIM 614653.

Allele frequency attached by ClinVar (database versions not stated): TOPMed 0.00001.
gnomAD v4.1: 23 of 1,610,918 alleles (0.0014%); highest among the groups gnomAD compares: Admixed American, 0.038%; no homozygotes.

Submission:

Labcorp Genetics (formerly Invitae), Labcorp
Classification: Uncertain significance for Epidermolysis bullosa simplex 3, localized or generalized intermediate, with BP230 deficiency; Hereditary sensory and autonomic neuropathy type 6. Last evaluated: 2025-11-10. Review status: criteria provided, single submitter. Criteria: Invitae Variant Classification Sherloc (09022015). Collection method: clinical testing. Allele origin: germline.
Comment: This sequence change falls in intron 23 of the DST gene. It does not directly change the encoded amino acid sequence of the DST protein. It affects a nucleotide within the consensus splice site. This variant is present in population databases (rs200391017, gnomAD 0.05%). This variant has not been reported in the literature in individuals affected with DST-related conditions. ClinVar contains an entry for this variant (Variation ID: 958098). Variants that disrupt the consensus splice site are a relatively common cause of aberrant splicing (PMID: 17576681, 9536098). Algorithms developed to predict the effect of sequence changes on RNA splicing suggest that this variant is not likely to affect RNA splicing. In summary, the available evidence is currently insufficient to determine the role of this variant in disease. Therefore, it has been classified as a Variant of Uncertain Significance.

Literature cited by the submitters: PubMed 17576681; PubMed 9536098.

NM_001374736.1(DST):c.4930-3498T>A

Gene: DST (dystonin; minus strand). Cytogenetic location: 6p12.1.
Variant type: single nucleotide variant.
Coding change: c.4930-3498T>A on transcript NM_001374736.1 (MANE Select); 3498 bases into the intron before coding-DNA position 4930, T replaced by A.
Molecular consequence: intron variant.
Genome position (GRCh38, 1-based): chr6:56,617,982, A>T on the plus strand (T>A on the coding strand, the complement: DST is on the minus strand). VCF-style: chr6-56617982-A-T. GRCh37 (hg19) VCF-style: chr6-56482780-A-T.
Other names: c.4831-3498T>A (NM_001144769.5); c.4930-3498T>A (NM_001374722.1); c.4957-3498T>A (NM_001374734.1); c.4417-3498T>A (NM_001144770.2); c.4297-3498T>A (NM_001374730.1, NM_001386100.1, NM_183380.4 and 1 more transcripts); c.3319-3498T>A (NM_015548.5); c.6048+4T>A (NM_001723.7).
Identifiers: ClinVar variation 958098 (VCV000958098.10), dbSNP rs200391017, ClinGen allele CA3870251.